The following is an entry in ClinVar:

NM_182641.4(BPTF):c.1865-5587A>G

Gene: BPTF (bromodomain PHD finger transcription factor; plus strand). Cytogenetic location: 17q24.2.
Variant type: single nucleotide variant.
Coding change: c.1865-5587A>G on transcript NM_182641.4 (MANE Select); 5587 bases into the intron before coding-DNA position 1865, A replaced by G.
Molecular consequence: intron variant. On other transcripts: missense variant (1).
Genome position (GRCh38, 1-based): chr17:67,886,257, A>G. VCF-style: chr17-67886257-A-G. GRCh37 (hg19) VCF-style: chr17-65882373-A-G.
Other names: c.2183A>G, p.Asp728Gly (NM_004459.7); c.2183A>G (NM_004459.6); short protein forms D728G.
Identifiers: ClinVar variation 2039008 (VCV002039008.5), dbSNP rs116783323, ClinGen allele CA8725309.
Genomic context (GRCh38, chr17:67,886,257, plus strand): 5'-AAAACAGTAACAGCAGCAGTGAACTAAATTCTTCCCAGAGTGAATCTGCTAAGGCAGCTG[A>G]TGATCCTGAAAATGGAGAAAGAGAATCTCATACACCTGTCTCTATTCAGGAAGAGATAGG-3'

ClinVar aggregate classification (germline): Benign/Likely benign. Review status: criteria provided, multiple submitters, no conflicts (2 of 4 stars). 2 submissions from 2 submitters: Benign (1); Likely benign (1). Last evaluated 2026-01-27.

Conditions:
BPTF-related disorder. Also called: BPTF-related condition.

Allele frequency attached by ClinVar (database versions not stated): ExAC 0.00249; 1000 Genomes Project 0.00699; 1000 Genomes Project 30x 0.00750; gnomAD 0.00799; TOPMed 0.00875; ESP Exome Variant Server 0.01084.
gnomAD v4.1: 2,364 of 1,614,062 alleles (0.15%); highest among the groups gnomAD compares: African/African-American, 2.8%; 36 homozygotes.

Submissions (2):

Labcorp Genetics (formerly Invitae), Labcorp
Classification: Benign. Last evaluated: 2026-01-27. Review status: criteria provided, single submitter. Criteria: Invitae Variant Classification Sherloc (09022015). Collection method: clinical testing. Allele origin: germline.

PreventionGenetics, part of Exact Sciences
Classification: Likely benign for BPTF-related condition. Last evaluated: 2025-02-11. Review status: criteria provided, single submitter. Criteria: ACMG Guidelines, 2015. Collection method: clinical testing. Allele origin: germline.
Comment: This variant is classified as likely benign based on ACMG/AMP sequence variant interpretation guidelines (Richards et al. 2015 PMID: 25741868, with internal and published modifications).